The following is an entry in ClinVar:

NM_001206998.2(ZNRF3):c.965C>G (p.Pro322Arg)

Gene: ZNRF3 (zinc and ring finger 3; plus strand). Cytogenetic location: 22q12.1.
Variant type: single nucleotide variant.
Coding change: c.965C>G on transcript NM_001206998.2 (MANE Select); coding-DNA position 965, C replaced by G.
Protein change: p.Pro322Arg; replaces proline 322 with arginine.
Molecular consequence: missense variant.
Genome position (GRCh38, 1-based): chr22:29,048,441, C>G. VCF-style: chr22-29048441-C-G. GRCh37 (hg19) VCF-style: chr22-29444429-C-G.
Other names: c.665C>G, p.Pro222Arg (NM_032173.4); short protein forms P222R, P322R.
Identifiers: ClinVar variation 3238965 (VCV003238965.1), dbSNP rs2517591496.

ClinVar aggregate classification (germline): Pathogenic (1 of 4 stars; one submission).

Conditions:
ZNRF3-related disorder.

Submission:

Institute of Medical Genetics, University of Zurich
Classification: Pathogenic for ZNRF3-related disorder. Last evaluated: 2024-05-29. Review status: criteria provided, single submitter. Criteria: ACMG Guidelines, 2015. Collection method: research. Allele origin: germline. Affected: yes.
Comment: ACMG criteria applied: PS3 (Well-established in vitro or in vivo functional studies supportive of a damaging effect on the gene or gene product), PM1 (Located in a mutational hot spot and/or critical and well-established functional domain), PM6 (assumed de novo), PM2 (absent from controls), PP3 (in silico programs predict a deleterious effect)